The following is an entry in ClinVar:

ClinVar aggregate classification (germline): Uncertain significance (1 of 4 stars; one submission).

Conditions:
MHC class I deficiency. Identifiers: Orphanet 34592, MedGen C6024714, MONDO:0011476.

Allele frequency attached by ClinVar (database versions not stated): gnomAD exomes below 0.00001; TOPMed below 0.00001.
gnomAD v4.1: 4 of 1,613,076 alleles (0.00025%); highest among the groups gnomAD compares: Non-Finnish European, 0.00034%; no homozygotes.

Submission:

Labcorp Genetics (formerly Invitae), Labcorp
Classification: Uncertain significance for MHC class I deficiency 1. Last evaluated: 2019-05-06. Review status: criteria provided, single submitter. Criteria: Invitae Variant Classification Sherloc (09022015). Collection method: clinical testing. Allele origin: germline.
Comment: This sequence change replaces histidine with glutamine at codon 634 of the TAP1 protein (p.His634Gln). The histidine residue is highly conserved and there is a small physicochemical difference between histidine and glutamine. This variant is not present in population databases (ExAC no frequency). This variant has not been reported in the literature in individuals with TAP1-related conditions. Algorithms developed to predict the effect of missense changes on protein structure and function are either unavailable or do not agree on the potential impact of this missense change (SIFT: "Tolerated"; PolyPhen-2: "Probably Damaging"; Align-GVGD: "Class C0"). In summary, the available evidence is currently insufficient to determine the role of this variant in disease. Therefore, it has been classified as a Variant of Uncertain Significance.

NM_000593.6(TAP1):c.1722C>A (p.His574Gln)

Gene: TAP1 (transporter 1, ATP binding cassette subfamily B member; minus strand). Cytogenetic location: 6p21.32.
Variant type: single nucleotide variant.
Coding change: c.1722C>A on transcript NM_000593.6 (MANE Select); coding-DNA position 1722, C replaced by A.
Protein change: p.His574Gln; replaces histidine 574 with glutamine.
Molecular consequence: missense variant.
Genome position (GRCh38, 1-based): chr6:32,847,937, G>T on the plus strand (C>A on the coding strand, the complement: TAP1 is on the minus strand). VCF-style: chr6-32847937-G-T. GRCh37 (hg19) VCF-style: chr6-32815714-G-T.
Other names: c.1119C>A, p.His373Gln (NM_001292022.2); short protein forms H574Q, H373Q.
Identifiers: ClinVar variation 951483 (VCV000951483.9), dbSNP rs1770538961, ClinGen allele CA363591378.